The following is an entry in ClinVar:

ClinVar aggregate classification (germline): Uncertain significance (1 of 4 stars; one submission).

Conditions:
FBN2-related disorder. Also called: FBN2-related condition.

Submission:

PreventionGenetics, part of Exact Sciences
Classification: Uncertain significance for FBN2-related condition. Last evaluated: 2025-12-09. Review status: criteria provided, single submitter. Criteria: ACMG Guidelines, 2015. Collection method: clinical testing. Allele origin: germline.
Comment: The FBN2 c.5080G>T variant is predicted to result in the amino acid substitution p.Asp1694Tyr. To our knowledge, this variant has not been reported in the literature or in a large population database (gnomAD), indicating this variant is rare. At this time, the clinical significance of this variant is uncertain due to the absence of conclusive functional and genetic evidence.

NM_001999.4(FBN2):c.5080G>T (p.Asp1694Tyr)

Gene: FBN2 (fibrillin 2; minus strand). Cytogenetic location: 5q23.3.
Variant type: single nucleotide variant.
Coding change: c.5080G>T on transcript NM_001999.4 (MANE Select); coding-DNA position 5080, G replaced by T.
Protein change: p.Asp1694Tyr; replaces aspartic acid 1694 with tyrosine.
Molecular consequence: missense variant.
Genome position (GRCh38, 1-based): chr5:128,310,103, C>A on the plus strand (G>T on the coding strand, the complement: FBN2 is on the minus strand). VCF-style: chr5-128310103-C-A. GRCh37 (hg19) VCF-style: chr5-127645795-C-A.
Other names: short protein forms D1694Y.
Identifiers: ClinVar variation 4991916 (VCV004991916.1).
Genomic context (GRCh38, chr5:128,310,103, plus strand): 5'-TTCCCAGGGTGTTATAGCAGGTCCCAGGCCCACACACACCAGGATGTGCAAAACACTCAT[C>A]AATATCTAGAGTAGGCAAGAATATCTATTAATTAATAAATCTATTTTTTCAATGAATTTA-3'
Protein context (NP_001990.2, residues 1684-1704): SEDTRICEDI[Asp1694Tyr]ECFAHPGVCG